The following is an entry in ClinVar:

ClinVar aggregate classification (germline): Benign/Likely benign. Review status: criteria provided, multiple submitters, no conflicts (2 of 4 stars). 3 submissions from 3 submitters: Benign (1); Likely benign (1). 1 of the submissions does not count toward it. Last evaluated 2025-02-16.

Conditions:
CEBPA-related disorder. Also called: CEBPA-related condition.

Allele frequency attached by ClinVar (database versions not stated): 1000 Genomes Project 0.00020; 1000 Genomes Project 30x 0.00094.
gnomAD v4.1: 290 of 1,069,210 alleles (0.027%); highest among the groups gnomAD compares: Middle Eastern, 0.42%; 3 homozygotes.

Submissions (3):

Laboratory of Genetics, Children's Clinical University Hospital Latvia
Classification: Benign. Last evaluated: 2025-02-16. Review status: criteria provided, single submitter. Criteria: ACMG Guidelines, 2015. Collection method: clinical testing. Allele origin: germline. Affected: yes.

Blueprint Genetics
Classification: Likely benign. Last evaluated: 2024-10-25. Review status: criteria provided, single submitter. Criteria: ACMG Guidelines, 2015. Collection method: clinical testing. Allele origin: germline.

PreventionGenetics, part of Exact Sciences
Classification: Likely benign for CEBPA-related condition. Last evaluated: 2020-04-07. Review status: no assertion criteria provided. Collection method: clinical testing. Allele origin: germline. Not counted in ClinVar's aggregate classification.
Comment: This variant is classified as likely benign based on ACMG/AMP sequence variant interpretation guidelines (Richards et al. 2015 PMID: 25741868, with internal and published modifications).

NM_004364.5(CEBPA):c.-69C>A

Genes: CEBPA (CCAAT enhancer binding protein alpha; minus strand), LOC130064183 (ATAC-STARR-seq lymphoblastoid silent region 10495; plus strand). Cytogenetic location: 19q13.11.
Variant type: single nucleotide variant.
Coding change: c.-69C>A on transcript NM_004364.5 (MANE Select); 69 bases upstream of the start codon, C replaced by A.
Molecular consequence: 5 prime UTR variant. On other transcripts: synonymous variant (1).
Genome position (GRCh38, 1-based): chr19:33,302,483, G>T on the plus strand (C>A on the coding strand, the complement: CEBPA is on the minus strand). VCF-style: chr19-33302483-G-T. GRCh37 (hg19) VCF-style: chr19-33793389-G-T.
Other names: c.-426C>A (NM_001285829.2); c.37C>A, p.Arg13= (NM_001287424.2); c.-111C>A (NM_001287435.2).
Identifiers: ClinVar variation 3033167 (VCV003033167.4), dbSNP rs557100333, ClinGen allele CA307844482.